The following is an entry in ClinVar:

ClinVar aggregate classification (germline): Pathogenic/Likely pathogenic. Review status: criteria provided, multiple submitters, no conflicts (2 of 4 stars). 13 submissions from 13 submitters: Pathogenic (3); Likely pathogenic (8). 2 of the submissions do not count toward it. Last evaluated 2025-12-04.

Conditions:
CUL7-related disorder. Also called: CUL7-related condition.
Inborn genetic diseases. Identifiers: MedGen C0950123, MeSH D030342.
3-M syndrome. Also called: Three M syndrome; 3-MSBN; Three-M slender-boned nanism; 3M SYNDROME. Identifiers: Orphanet 2616, MedGen C1848862, MONDO:0007477.
3M syndrome 1. Also called: 3-M Syndrome, CUL7-Related. Identifiers: Orphanet 2616, MedGen C2678312, MONDO:0010117, OMIM 273750.

Allele frequency attached by ClinVar (database versions not stated): gnomAD 0.00010 and 0.00011; gnomAD exomes 0.00016 and 0.00018; ExAC 0.00021; TOPMed 0.00011.

Submissions (13):

GeneDx
Classification: Likely pathogenic. Last evaluated: 2025-12-04. Review status: criteria provided, single submitter. Criteria: GeneDx Variant Classification Process June 2021. Collection method: clinical testing. Allele origin: germline. Affected: yes.
Comment: In silico analysis, which includes protein predictors and evolutionary conservation, supports a deleterious effect; This variant is associated with the following publications: (PMID: 16142236, 19225462, 34426522, 35982156)

Labcorp Genetics (formerly Invitae), Labcorp
Classification: Likely pathogenic. Last evaluated: 2025-10-02. Review status: criteria provided, single submitter. Criteria: Invitae Variant Classification Sherloc (09022015). Collection method: clinical testing. Allele origin: germline.
Comment: This sequence change replaces leucine, which is neutral and non-polar, with arginine, which is basic and polar, at codon 1014 of the CUL7 protein (p.Leu1014Arg). This variant is present in population databases (rs61752334, gnomAD 0.03%). This missense change has been observed in individual(s) with 3-M syndrome (PMID: 16142236, 19225462, 21396581, 38087044; internal data). In at least one individual the data is consistent with being in trans (on the opposite chromosome) from a pathogenic variant. This variant is also known as p.Leu1098Arg. ClinVar contains an entry for this variant (Variation ID: 194657). An algorithm developed to predict the effect of missense changes on protein structure and function (PolyPhen-2) suggests that this variant is likely to be disruptive. In summary, the currently available evidence indicates that the variant is pathogenic, but additional data are needed to prove that conclusively. Therefore, this variant has been classified as Likely Pathogenic.

Blueprint Genetics
Classification: Pathogenic for CUL7-related disorders. Last evaluated: 2024-10-24. Review status: criteria provided, single submitter. Criteria: ACMG Guidelines, 2015. Collection method: clinical testing. Allele origin: germline. Affected: yes. Observed: 5 variant alleles.

SIB Swiss Institute of Bioinformatics
Classification: Likely pathogenic for 3M syndrome 1. Last evaluated: 2024-07-24. Review status: criteria provided, single submitter. Criteria: ACMG Guidelines, 2015. Collection method: curation. Allele origin: unknown. Inheritance: Autosomal recessive inheritance.
Comment: This variant is interpreted as likely pathogenic for 3M syndrome 1, based on the following ACMG criteria: Multiple lines of computational evidence support a deleterious effect on the gene or gene product (PP3_moderate; REVEL score 0.849). For recessive disorders, detected in trans with a pathogenic variant (PM3_strong; family 22 in PMID:16142236 and family 44 in PMID:19225462).

Fulgent Genetics
Classification: Likely pathogenic for 3M syndrome 1. Last evaluated: 2024-04-21. Review status: criteria provided, single submitter. Criteria: ACMG Guidelines, 2015. Collection method: clinical testing. Allele origin: germline.

Greenwood Genetic Center Diagnostic Laboratories, Greenwood Genetic Center
Classification: Likely pathogenic for 3M syndrome 1. Last evaluated: 2023-06-08. Review status: criteria provided, single submitter. Criteria: ACMG Guidelines, 2015. Collection method: clinical testing. Allele origin: germline. Affected: yes.
Comment: PM3_strong, PM2, PP3

Women's Health and Genetics/Laboratory Corporation of America, LabCorp
Classification: Pathogenic for 3-M syndrome. Last evaluated: 2022-12-22. Review status: criteria provided, single submitter. Criteria: LabCorp Variant Classification Summary - May 2015. Collection method: clinical testing. Allele origin: germline.
Comment: Variant summary: CUL7 c.3041T>G (p.Leu1014Arg) results in a non-conservative amino acid change located in the Cullin, N-terminal domain (IPR001373) of the encoded protein sequence. Five of five in-silico tools predict a damaging effect of the variant on protein function. 4/4 computational tools predict no significant impact on normal splicing. However, these predictions have yet to be confirmed by functional studies. The variant allele was found at a frequency of 0.00016 in 251280 control chromosomes (gnomAD). This frequency is not significantly higher than expected for a pathogenic variant in CUL7 causing Three M Syndrome 1 (0.00016 vs 0.0011), allowing no conclusion about variant significance. c.3041T>G has been reported in the literature in multiple individuals affected with Three M Syndrome (Huber_2005, Huber_2009), including in a family with compound heterozygous individuals with a truncating variant. These data indicate that the variant is very likely to be associated with disease. To our knowledge, no experimental evidence demonstrating an impact on protein function has been reported. Seven submitters have provided clinical-significance assessments for this variant to ClinVar after 2014, and six classified it as pathogenic/likely pathogenic (one as uncertain significance). Based on the evidence outlined above, the variant was classified as pathogenic.

Laboratory of Inherited Metabolic Diseases, Research centre for medical genetics
Classification: Pathogenic for 3M syndrome 1. Last evaluated: 2022-04-01. Review status: criteria provided, single submitter. Criteria: ACMG Guidelines, 2015. Collection method: clinical testing. Allele origin: inherited. Affected: yes. Observed: 1 variant allele.

Centre for Mendelian Genomics, University Medical Centre Ljubljana
Classification: Likely pathogenic for 3M syndrome 1. Last evaluated: 2019-12-12. Review status: criteria provided, single submitter. Criteria: ACMG Guidelines, 2015. Collection method: clinical testing. Allele origin: unknown. Affected: yes.
Comment: This variant was classified as: Likely pathogenic. The following ACMG criteria were applied in classifying this variant: PS1,PM2,PP3. This variant was detected in homozygous state.

Eurofins Ntd Llc (ga)
Classification: Likely pathogenic. Last evaluated: 2015-05-07. Review status: criteria provided, single submitter. Criteria: EGL Classification Definitions 2015. Collection method: clinical testing. Allele origin: germline. Observed: 3 variant alleles, 3 heterozygotes.

Ambry Genetics
Classification: Likely pathogenic for Inborn genetic diseases. Last evaluated: 2014-03-10. Review status: criteria provided, single submitter. Criteria: Ambry Autosomal Dominant and X-Linked criteria (10/2015). Collection method: clinical testing. Allele origin: germline. Observed: 1 variant allele.

Genome Diagnostics Laboratory, Amsterdam University Medical Center
Classification: Likely pathogenic. Review status: no assertion criteria provided. Collection method: clinical testing. Allele origin: germline. Affected: yes. Study: VKGL Data-share Consensus. Not counted in ClinVar's aggregate classification.

Joint Genome Diagnostic Labs from Nijmegen and Maastricht, Radboudumc and MUMC+
Classification: Pathogenic. Review status: no assertion criteria provided. Collection method: clinical testing. Allele origin: germline. Affected: yes. Study: VKGL Data-share Consensus. Not counted in ClinVar's aggregate classification.

Literature cited by the submitters: PubMed 16142236 (cited by 3 submitters); PubMed 19225462 (cited by 3 submitters); PubMed 21396581 (cited by Labcorp Genetics (formerly Invitae), Labcorp); PubMed 38087044 (cited by Labcorp Genetics (formerly Invitae), Labcorp).

NM_014780.5(CUL7):c.3041T>G (p.Leu1014Arg)

Gene: CUL7 (cullin 7; minus strand). Cytogenetic location: 6p21.1.
Variant type: single nucleotide variant.
Coding change: c.3041T>G on transcript NM_014780.5 (MANE Select); coding-DNA position 3041, T replaced by G.
Protein change: p.Leu1014Arg; replaces leucine 1014 with arginine.
Molecular consequence: missense variant.
Genome position (GRCh38, 1-based): chr6:43,044,883, A>C on the plus strand (T>G on the coding strand, the complement: CUL7 is on the minus strand). VCF-style: chr6-43044883-A-C. GRCh37 (hg19) VCF-style: chr6-43012621-A-C.
Other names: c.3137T>G, p.Leu1046Arg (NM_001168370.2, NM_001374872.1); c.3041T>G, p.Leu1014Arg (NM_001374873.1, NM_001374874.1); short protein forms L1014R, L1098R, L1046R.
Identifiers: ClinVar variation 194657 (VCV000194657.32), dbSNP rs61752334, ClinGen allele CA275038.
Genomic context (GRCh38, chr6:43,044,883, plus strand): 5'-GCCTCGTCATCAGGGAGGAAGCGGTCAGCAAAATTCTGCTCCTGGCGCAGAGCACCGTTG[A>C]GTCTGGGGGTGAGAATGGAGGAGGAAGGTGTCAGGGGCTTGAAGCATATGTTATCTCAGT-3'
Protein context (NP_055595.2, residues 1004-1024): RRSLLHLSSR[Leu1014Arg]NGALRQEQNF